The following is an entry in ClinVar:

ClinVar aggregate classification (germline): Benign (1 of 4 stars; one submission).

Allele frequency attached by ClinVar (database versions not stated): gnomAD 0.67463 and 0.67650; TOPMed 0.67519; 1000 Genomes Project 0.69669; 1000 Genomes Project 30x 0.69706.
gnomAD v4.1: 102,975 of 152,128 alleles (68%); highest among the groups gnomAD compares: South Asian, 75%; 35,000 homozygotes.

Submission:

GeneDx
Classification: Benign. Last evaluated: 2018-06-14. Review status: criteria provided, single submitter. Criteria: GeneDx Variant Classification (06012015). Collection method: clinical testing. Allele origin: germline. Affected: yes.
Comment: This variant is considered likely benign or benign based on one or more of the following criteria: it is a conservative change, it occurs at a poorly conserved position in the protein, it is predicted to be benign by multiple in silico algorithms, and/or has population frequency not consistent with disease.

NM_203447.4(DOCK8):c.894+256G>A

Gene: DOCK8 (dedicator of cytokinesis 8; plus strand). Cytogenetic location: 9p24.3.
Variant type: single nucleotide variant.
Coding change: c.894+256G>A on transcript NM_203447.4 (MANE Select); 256 bases into the intron after coding-DNA position 894, G replaced by A.
Molecular consequence: intron variant.
Genome position (GRCh38, 1-based): chr9:325,993, G>A. VCF-style: chr9-325993-G-A. GRCh37 (hg19) VCF-style: chr9-325993-G-A.
Other names: c.690+256G>A (NM_001193536.2, NM_001190458.2).
Identifiers: ClinVar variation 667665 (VCV000667665.1), dbSNP rs7019093, ClinGen allele CA13080052.